The following is an entry in ClinVar:

ClinVar aggregate classification (germline): Likely benign. Review status: criteria provided, single submitter (1 of 4 stars). 2 submissions from 1 submitter: Likely benign (2). Last evaluated 2018-01-13.

Conditions:
Susceptibility to mononeuropathy of the median nerve, mild. Also called: CARPAL TUNNEL SYNDROME, SUSCEPTIBILITY TO. Identifiers: MedGen C3150596, MONDO:0013237, OMIM 613353.
Charcot-Marie-Tooth disease type 4C (CMT4C). Also called: CMT 4C; SH3TC2-Related Hereditary Motor and Sensory Neuropathy; Charcot-Marie-Tooth Neuropathy Type 4C (CMT4C); CHARCOT-MARIE-TOOTH DISEASE, DEMYELINATING, TYPE 4C; CHARCOT-MARIE-TOOTH DISEASE, DEMYELINATING, AUTOSOMAL RECESSIVE, TYPE 4C. Identifiers: Orphanet 99949, MedGen C1866636, MONDO:0011113, OMIM 601596.

Allele frequency attached by ClinVar (database versions not stated): gnomAD 0.00066 and 0.00067; TOPMed 0.00088; 1000 Genomes Project 30x 0.00172; 1000 Genomes Project 0.00180.
gnomAD v4.1: 99 of 152,140 alleles (0.065%); highest among the groups gnomAD compares: African/African-American, 0.22%; no homozygotes.

Submissions (2):

Illumina Laboratory Services, Illumina
Classification: Likely benign for Susceptibility to mononeuropathy of the median nerve, mild. Last evaluated: 2018-01-13. Review status: criteria provided, single submitter. Criteria: ICSL Variant Classification Criteria 13 December 2019. Collection method: clinical testing. Allele origin: germline.
Comment: This variant was observed in the ICSL laboratory as part of a predisposition screen in an ostensibly healthy population. It had not been previously curated by ICSL or reported in the Human Gene Mutation Database (HGMD: prior to June 1st, 2018), and was therefore a candidate for classification through an automated scoring system. Utilizing variant allele frequency, disease prevalence and penetrance estimates, and inheritance mode, an automated score was calculated to assess if this variant is too frequent to cause the disease. Based on the score and internal cut-off values, a variant classified as likely benign is not then subjected to further curation. The score for this variant resulted in a classification of likely benign for this disease.

Illumina Laboratory Services, Illumina
Classification: Likely benign for Charcot-Marie-Tooth disease type 4C. Last evaluated: 2018-01-13. Review status: criteria provided, single submitter. Criteria: ICSL Variant Classification Criteria 13 December 2019. Collection method: clinical testing. Allele origin: germline.
Comment: the same text as in the submission from Illumina Laboratory Services, Illumina above.

NM_024577.4(SH3TC2):c.*11427G>A

Gene: SH3TC2 (SH3 domain and tetratricopeptide repeats 2; minus strand). Cytogenetic location: 5q32.
Variant type: single nucleotide variant.
Coding change: c.*11427G>A on transcript NM_024577.4 (MANE Select); 11427 bases downstream of the stop codon, G replaced by A.
Molecular consequence: 3 prime UTR variant.
Genome position (GRCh38, 1-based): chr5:148,993,284, C>T on the plus strand (G>A on the coding strand, the complement: SH3TC2 is on the minus strand). VCF-style: chr5-148993284-C-T. GRCh37 (hg19) VCF-style: chr5-148372847-C-T.
Identifiers: ClinVar variation 907380 (VCV000907380.4), dbSNP rs535822101, ClinGen allele CA128988487.